The following is an entry in ClinVar:

ClinVar aggregate classification (germline): Uncertain significance (1 of 4 stars; one submission).

gnomAD v4.1: 3 of 1,614,036 alleles (0.00019%); highest among the groups gnomAD compares: African/African-American, 0.0013%; no homozygotes.

Submission:

GeneDx
Classification: Uncertain significance. Last evaluated: 2025-03-20. Review status: criteria provided, single submitter. Criteria: GeneDx Variant Classification Process June 2021. Collection method: clinical testing. Allele origin: germline. Affected: yes.
Comment: Not observed at significant frequency in large population cohorts (gnomAD); In silico analysis supports that this missense variant has a deleterious effect on protein structure/function; This variant is associated with the following publications: (PMID: 34663476)

NM_015046.7(SETX):c.7364A>G (p.Tyr2455Cys)

Gene: SETX (senataxin; minus strand). Cytogenetic location: 9q34.13.
Variant type: single nucleotide variant.
Coding change: c.7364A>G on transcript NM_015046.7 (MANE Select); coding-DNA position 7364, A replaced by G.
Protein change: p.Tyr2455Cys; replaces tyrosine 2455 with cysteine.
Molecular consequence: missense variant.
Genome position (GRCh38, 1-based): chr9:132,264,909, T>C on the plus strand (A>G on the coding strand, the complement: SETX is on the minus strand). VCF-style: chr9-132264909-T-C. GRCh37 (hg19) VCF-style: chr9-135140296-T-C.
Other names: c.7364A>G, p.Tyr2455Cys (NM_001351527.2); c.7451A>G, p.Tyr2484Cys (NM_001351528.2); short protein forms Y2455C, Y2484C.
Identifiers: ClinVar variation 4086487 (VCV004086487.1).